The following is an entry in ClinVar:

ClinVar aggregate classification (germline): Likely pathogenic. Review status: criteria provided, multiple submitters, no conflicts (2 of 4 stars). 2 submissions from 2 submitters: Likely pathogenic (2). Last evaluated 2025-03-03.

Conditions:
Dilated cardiomyopathy 1G (CMD1G). Identifiers: Orphanet 154, MedGen C1858763, MONDO:0011400, OMIM 604145.
Autosomal recessive limb-girdle muscular dystrophy type 2J (LGMDR10). Also called: Limb-girdle muscular dystrophy, type 2J; MUSCULAR DYSTROPHY, LIMB-GIRDLE, AUTOSOMAL RECESSIVE 10. Identifiers: Orphanet 140922, MedGen C1837342, MONDO:0012127, OMIM 608807.
Cardiovascular phenotype. Identifiers: MedGen CN230736.

Submissions (2):

Ambry Genetics
Classification: Likely pathogenic for Cardiovascular phenotype. Last evaluated: 2025-03-03. Review status: criteria provided, single submitter. Criteria: Ambry Variant Classification Scheme 2023. Collection method: clinical testing. Allele origin: germline.
Comment: The c.21434delC variant, located in coding exon 86 of the TTN gene, results from a deletion of one nucleotide at nucleotide position 21434, causing a translational frameshift with a predicted alternate stop codon (p.A7145Efs*7). This exon is located in the A-band region of the N2-B isoform of the titin protein and is constitutively expressed in TTN transcripts (percent spliced in or PSI 100%). This variant is considered to be rare based on population cohorts in the Genome Aggregation Database (gnomAD). This variant is expected to result in loss of function by premature protein truncation or nonsense-mediated mRNA decay. While truncating variants in TTN are present in 1-3% of the general population, truncating variants in the A-band are the most common cause of dilated cardiomyopathy (Herman DS et al. N. Engl. J. Med., 2012 Feb;366:619-28; Roberts AM et al. Sci Transl Med, 2015 Jan;7:270ra6). TTN truncating variants encoded in constitutive exons (PSI >90%) have been found to be significantly associated with DCM regardless of their position in titin (Schafer S et al. Nat. Genet., 2017 01;49:46-53; Akhtar MM et al. Circ Heart Fail, 2020 Oct;13:e006832; Massier M et al. Clin Genet, 2025 Jan). Based on the majority of available evidence to date, this variant is likely to be pathogenic.

Labcorp Genetics (formerly Invitae), Labcorp
Classification: Likely pathogenic for Dilated cardiomyopathy 1G; Autosomal recessive limb-girdle muscular dystrophy type 2J. Last evaluated: 2024-03-21. Review status: criteria provided, single submitter. Criteria: Invitae Variant Classification Sherloc (09022015). Collection method: clinical testing. Allele origin: germline.
Comment: This sequence change creates a premature translational stop signal (p.Ala16210Glufs*7) in the TTN gene. While this is not anticipated to result in nonsense mediated decay, it is expected to create a truncated TTN protein. This variant is not present in population databases (gnomAD no frequency). This variant has not been reported in the literature in individuals affected with TTN-related conditions. ClinVar contains an entry for this variant (Variation ID: 960945). This variant is located in the A band of TTN (PMID: 25589632). Truncating variants in this region are significantly overrepresented in patients affected with dilated cardiomyopathy (PMID: 25589632). Truncating variants in this region have also been reported in individuals affected with autosomal recessive centronuclear myopathy (PMID: 23975875). In summary, the currently available evidence indicates that the variant is pathogenic, but additional data are needed to prove that conclusively. Therefore, this variant has been classified as Likely Pathogenic.

Literature cited by the submitters: PubMed 25589632 (cited by Labcorp Genetics (formerly Invitae), Labcorp); PubMed 23975875 (cited by Labcorp Genetics (formerly Invitae), Labcorp).

NM_001267550.2(TTN):c.48629del (p.Ala16210fs)

Genes: TTN-AS1 (TTN antisense RNA 1; plus strand), TTN (titin; minus strand), LOC126806426 (BRD4-independent group 4 enhancer GRCh37_chr2:179478848-179480047; plus strand). Cytogenetic location: 2q31.2.
Variant type: Deletion.
Coding change: c.48629del on transcript NM_001267550.2 (MANE Select); coding-DNA position 48629, one base deleted (C; older notation c.48629delC).
Protein change: p.Ala16210fs; shifts the reading frame from alanine 16210.
Molecular consequence: frameshift variant.
Genome position (GRCh38, 1-based): chr2:178,615,316, G deleted on the plus strand (C on the coding strand, the reverse complement: TTN is on the minus strand). VCF-style (leftmost placement, unchanged base first): chr2-178615315-TG-T. GRCh37 (hg19) VCF-style: chr2-179480042-TG-T.
Other names: c.21434delC (NM_003319.4); c.43706del, p.Ala14569fs (NM_001256850.1); c.21434del, p.Ala7145fs (NM_003319.4); c.40925del, p.Ala13642fs (NM_133378.4); c.21809del, p.Ala7270fs (NM_133432.3); c.22010del, p.Ala7337fs (NM_133437.4); short protein forms A13642fs, A14569fs, A16210fs, A7337fs, A7270fs, A7145fs.
Identifiers: ClinVar variation 960945 (VCV000960945.11), dbSNP rs2057135958, ClinGen allele CA1139657457.